The following is an entry in ClinVar:

ClinVar aggregate classification (germline): Uncertain significance (1 of 4 stars; one submission).

Conditions:
Ciliary dyskinesia, primary, 37 (CILD37). Also called: CILIARY DYSKINESIA, PRIMARY, 37, WITH OR WITHOUT SITUS INVERSUS. Identifiers: MedGen C4539798, MONDO:0033204, OMIM 617577.
Spermatogenic failure 18. Identifiers: MedGen C4539783, MONDO:0054615, OMIM 617576.

Allele frequency attached by ClinVar (database versions not stated): ExAC 0.00001; gnomAD 0.00001; gnomAD exomes 0.00002.
gnomAD v4.1: 24 of 1,613,894 alleles (0.0015%); highest among the groups gnomAD compares: Admixed American, 0.0033%; no homozygotes.

Submission:

Labcorp Genetics (formerly Invitae), Labcorp
Classification: Uncertain significance for Ciliary dyskinesia, primary, 37; Spermatogenic failure 18. Last evaluated: 2022-09-01. Review status: criteria provided, single submitter. Criteria: Invitae Variant Classification Sherloc (09022015). Collection method: clinical testing. Allele origin: germline.
Comment: In summary, the available evidence is currently insufficient to determine the role of this variant in disease. Therefore, it has been classified as a Variant of Uncertain Significance. Algorithms developed to predict the effect of missense changes on protein structure and function (SIFT, PolyPhen-2, Align-GVGD) all suggest that this variant is likely to be disruptive. This variant has not been reported in the literature in individuals affected with DNAH1-related conditions. This variant is present in population databases (rs778742726, gnomAD 0.002%). This sequence change replaces glycine, which is neutral and non-polar, with serine, which is neutral and polar, at codon 1803 of the DNAH1 protein (p.Gly1803Ser).

NM_015512.5(DNAH1):c.5407G>A (p.Gly1803Ser)

Gene: DNAH1 (dynein axonemal heavy chain 1; plus strand). Cytogenetic location: 3p21.1.
Variant type: single nucleotide variant.
Coding change: c.5407G>A on transcript NM_015512.5 (MANE Select); coding-DNA position 5407, G replaced by A.
Protein change: p.Gly1803Ser; replaces glycine 1803 with serine.
Molecular consequence: missense variant.
Genome position (GRCh38, 1-based): chr3:52,364,908, G>A. VCF-style: chr3-52364908-G-A. GRCh37 (hg19) VCF-style: chr3-52398924-G-A.
Other names: short protein forms G1803S.
Identifiers: ClinVar variation 2174951 (VCV002174951.4), dbSNP rs778742726, ClinGen allele CA2434201.
Genomic context (GRCh38, chr3:52,364,908, plus strand): 5'-CGGGCCATCCGTGATGTGAACGTGCCCAAGTTCCTGCAGGAGGACCTCAAGCTCTTCTCT[G>A]GCATCGTGTCCGACCTGTTTCCCACCATCAAGGAGGAGGACACGGACTACGGCATCCTGG-3'
Protein context (NP_056327.4, residues 1793-1813): FLQEDLKLFS[Gly1803Ser]IVSDLFPTIK